The following is an entry in ClinVar:

NM_004208.4(AIFM1):c.980G>T (p.Gly327Val)

Genes: AIFM1 (apoptosis inducing factor mitochondria associated 1; minus strand), RAB33A (RAB33A, member RAS oncogene family; plus strand). Cytogenetic location: Xq26.1.
Variant type: single nucleotide variant.
Coding change: c.980G>T on transcript NM_004208.4 (MANE Select); coding-DNA position 980, G replaced by T.
Protein change: p.Gly327Val; replaces glycine 327 with valine.
Molecular consequence: missense variant. On other transcripts: 5 prime UTR variant (1), 3 prime UTR variant (1), non-coding transcript variant (1).
Genome position (GRCh38, 1-based): chrX:130,137,173, C>A on the plus strand (G>T on the coding strand, the complement: AIFM1 is on the minus strand). VCF-style: chrX-130137173-C-A. GRCh37 (hg19) VCF-style: chrX-129271148-C-A.
Other names: c.-38G>T (NM_001130846.4); c.*208G>T (NM_001130847.4); c.968G>T, p.Gly323Val (NM_145812.3); short protein forms G323V, G327V.
Identifiers: ClinVar variation 1002843 (VCV001002843.8), dbSNP rs2030380751, ClinGen allele CA414580117.

ClinVar aggregate classification (germline): Uncertain significance (1 of 4 stars; one submission).

Conditions:
Charcot-Marie-Tooth Neuropathy X. Identifiers: MedGen CN118851.
Combined oxidative phosphorylation deficiency. Identifiers: MedGen C4540031, MONDO:0000732.

Submission:

Labcorp Genetics (formerly Invitae), Labcorp
Classification: Uncertain significance for Charcot-Marie-Tooth Neuropathy X; Combined oxidative phosphorylation deficiency. Last evaluated: 2020-08-14. Review status: criteria provided, single submitter. Criteria: Invitae Variant Classification Sherloc (09022015). Collection method: clinical testing. Allele origin: germline.
Comment: This sequence change replaces glycine with valine at codon 327 of the AIFM1 protein (p.Gly327Val). The glycine residue is moderately conserved and there is a moderate physicochemical difference between glycine and valine. This variant is not present in population databases (ExAC no frequency). This variant has not been reported in the literature in individuals with AIFM1-related conditions. Advanced modeling of protein sequence and biophysical properties (such as structural, functional, and spatial information, amino acid conservation, physicochemical variation, residue mobility, and thermodynamic stability) performed at Invitae indicates that this missense variant is expected to disrupt AIFM1 protein function. In summary, the available evidence is currently insufficient to determine the role of this variant in disease. Therefore, it has been classified as a Variant of Uncertain Significance.